The following is an entry in ClinVar:

ClinVar aggregate classification (germline): Uncertain significance (1 of 4 stars; one submission).

Conditions:
Autism spectrum disorder - epilepsy - arthrogryposis syndrome (AMRS). Identifiers: Orphanet 370943, MedGen C3809910, MONDO:0014248, OMIM 615553.

Submission:

Labcorp Genetics (formerly Invitae), Labcorp
Classification: Uncertain significance for Autism spectrum disorder - epilepsy - arthrogryposis syndrome. Last evaluated: 2022-05-07. Review status: criteria provided, single submitter. Criteria: Invitae Variant Classification Sherloc (09022015). Collection method: clinical testing. Allele origin: germline.
Comment: This sequence change replaces aspartic acid, which is acidic and polar, with tyrosine, which is neutral and polar, at codon 266 of the SLC35A3 protein (p.Asp266Tyr). In summary, the available evidence is currently insufficient to determine the role of this variant in disease. Therefore, it has been classified as a Variant of Uncertain Significance. Algorithms developed to predict the effect of missense changes on protein structure and function are either unavailable or do not agree on the potential impact of this missense change (SIFT: "Deleterious"; PolyPhen-2: "Probably Damaging"; Align-GVGD: "Class C0"). This variant has not been reported in the literature in individuals affected with SLC35A3-related conditions. This variant is not present in population databases (gnomAD no frequency).

NM_012243.3(SLC35A3):c.796G>T (p.Asp266Tyr)

Gene: SLC35A3 (solute carrier family 35 member A3; plus strand). Cytogenetic location: 1p21.2.
Variant type: single nucleotide variant.
Coding change: c.796G>T on transcript NM_012243.3 (MANE Select); coding-DNA position 796, G replaced by T.
Protein change: p.Asp266Tyr; replaces aspartic acid 266 with tyrosine.
Molecular consequence: missense variant. On other transcripts: intron variant (1).
Genome position (GRCh38, 1-based): chr1:100,017,724, G>T. VCF-style: chr1-100017724-G-T. GRCh37 (hg19) VCF-style: chr1-100483280-G-T.
Other names: c.922G>T, p.Asp308Tyr (NM_001271685.2); c.635-4662G>T (NM_001271684.2); short protein forms D308Y, D266Y.
Identifiers: ClinVar variation 2105775 (VCV002105775.4), dbSNP rs1570625956, ClinGen allele CA341317382.